The following is an entry in ClinVar:

NM_015175.3(NBEAL2):c.3442T>A (p.Ser1148Thr)

Gene: NBEAL2 (neurobeachin like 2; plus strand). Cytogenetic location: 3p21.31.
Variant type: single nucleotide variant.
Coding change: c.3442T>A on transcript NM_015175.3 (MANE Select); coding-DNA position 3442, T replaced by A.
Protein change: p.Ser1148Thr; replaces serine 1148 with threonine.
Molecular consequence: missense variant.
Genome position (GRCh38, 1-based): chr3:46,999,016, T>A. VCF-style: chr3-46999016-T-A. GRCh37 (hg19) VCF-style: chr3-47040506-T-A.
Other names: c.3340T>A, p.Ser1114Thr (NM_001365116.2); short protein forms S1114T, S1148T.
Identifiers: ClinVar variation 4984137 (VCV004984137.1).

ClinVar aggregate classification (germline): Uncertain significance (1 of 4 stars; one submission).

Conditions:
NBEAL2-related disorder. Also called: NBEAL2-related condition.

Submission:

PreventionGenetics, part of Exact Sciences
Classification: Uncertain significance for NBEAL2-related condition. Last evaluated: 2025-10-24. Review status: criteria provided, single submitter. Criteria: ACMG Guidelines, 2015. Collection method: clinical testing. Allele origin: germline.
Comment: The NBEAL2 c.3442T>A variant is predicted to result in the amino acid substitution p.Ser1148Thr. To our knowledge, this variant has not been reported in the literature or in a large population database (gnomAD), indicating this variant is rare. At this time, the clinical significance of this variant is uncertain due to the absence of conclusive functional and genetic evidence.